The following is an entry in ClinVar:

NM_004370.6(COL12A1):c.658+6T>C

Gene: COL12A1 (collagen type XII alpha 1 chain; minus strand). Cytogenetic location: 6q13.
Variant type: single nucleotide variant.
Coding change: c.658+6T>C on transcript NM_004370.6 (MANE Select); 6 bases into the intron after coding-DNA position 658, T replaced by C.
Molecular consequence: intron variant.
Genome position (GRCh38, 1-based): chr6:75,189,546, A>G on the plus strand (T>C on the coding strand, the complement: COL12A1 is on the minus strand). VCF-style: chr6-75189546-A-G. GRCh37 (hg19) VCF-style: chr6-75899262-A-G.
Other names: c.73+13174T>C (NM_001424116.1, NM_080645.3); c.658+6T>C (NM_001424115.1, NM_001424114.1, NM_001424113.1).
Identifiers: ClinVar variation 2947135 (VCV002947135.3), dbSNP rs529484964, ClinGen allele CA2740091422.
Genomic context (GRCh38, chr6:75,189,546, plus strand): 5'-GCATCATTTCTTTCTGAAACAGACATTTCATTTATTTTTAACTTTAAAAAAATCTGTAGA[A>G]CATACCTGTCATTGTGTTGCCACCTTTATATGGAATTTTTTTTATTGCAGCAAGAAGTTC-3'

ClinVar aggregate classification (germline): Uncertain significance (1 of 4 stars; one submission).

Conditions:
Ullrich congenital muscular dystrophy 2 (UCMD2). Identifiers: Orphanet 75840, MedGen C4225314, MONDO:0014654, OMIM 616470.
Bethlem myopathy 2 (BTHLM2). Identifiers: Orphanet 536516, Orphanet 610, MedGen C4225313, MONDO:0034022, OMIM 616471.

Submission:

Labcorp Genetics (formerly Invitae), Labcorp
Classification: Uncertain significance for Bethlem myopathy 2; Ullrich congenital muscular dystrophy 2. Last evaluated: 2023-04-26. Review status: criteria provided, single submitter. Criteria: Invitae Variant Classification Sherloc (09022015). Collection method: clinical testing. Allele origin: germline.
Comment: This variant has not been reported in the literature in individuals affected with COL12A1-related conditions. This sequence change falls in intron 6 of the COL12A1 gene. It does not directly change the encoded amino acid sequence of the COL12A1 protein. It affects a nucleotide within the consensus splice site. This variant is not present in population databases (gnomAD no frequency). Variants that disrupt the consensus splice site are a relatively common cause of aberrant splicing (PMID: 17576681, 9536098). Algorithms developed to predict the effect of sequence changes on RNA splicing suggest that this variant is not likely to affect RNA splicing. In summary, the available evidence is currently insufficient to determine the role of this variant in disease. Therefore, it has been classified as a Variant of Uncertain Significance.

Literature cited by the submitters: PubMed 17576681; PubMed 9536098.